The following is an entry in ClinVar:

NM_002303.6(LEPR):c.494+1G>T

Gene: LEPR (leptin receptor; plus strand). Cytogenetic location: 1p31.3.
Variant type: single nucleotide variant.
Coding change: c.494+1G>T on transcript NM_002303.6 (MANE Select); the canonical splice donor site of the intron after coding-DNA position 494, G replaced by T.
Molecular consequence: splice donor variant.
Genome position (GRCh38, 1-based): chr1:65,572,450, G>T. VCF-style: chr1-65572450-G-T. GRCh37 (hg19) VCF-style: chr1-66038133-G-T.
Other names: c.494+1G>T (NM_001003679.3, NM_001003680.3, NM_001198689.2 and 2 more transcripts).
Identifiers: ClinVar variation 3348212 (VCV003348212.1).

ClinVar aggregate classification (germline): Pathogenic (0 of 4 stars; one submission).

Conditions:
LEPR-related disorder. Also called: LEPR-related condition; LEPR-related disorders.

Submission:

PreventionGenetics, part of Exact Sciences
Classification: Pathogenic for LEPR-related condition. Last evaluated: 2023-11-15. Review status: no assertion criteria provided. Collection method: clinical testing. Allele origin: germline.
Comment: The LEPR c.494+1G>T variant is predicted to disrupt the GT donor site and interfere with normal splicing. To our knowledge, this variant has not been reported in the literature or in a large population database, indicating this variant is rare. Variants that disrupt the consensus splice donor site in LEPR are expected to be pathogenic. This variant is interpreted as pathogenic.